The following is an entry in ClinVar:

NM_004715.5(CTDP1):c.2055C>T (p.Ile685=)

Gene: CTDP1 (CTD phosphatase subunit 1; plus strand). Cytogenetic location: 18q23.
Variant type: single nucleotide variant.
Coding change: c.2055C>T on transcript NM_004715.5 (MANE Select); coding-DNA position 2055, C replaced by T.
Protein change: p.Ile685=; no amino-acid change (isoleucine 685 retained).
Molecular consequence: synonymous variant.
Genome position (GRCh38, 1-based): chr18:79,715,515, C>T. VCF-style: chr18-79715515-C-T. GRCh37 (hg19) VCF-style: chr18-77475515-C-T.
Other names: c.1698C>T, p.Ile566= (NM_001202504.1); c.2055C>T, p.Ile685= (NM_001318511.2, NM_048368.4).
Identifiers: ClinVar variation 3051482 (VCV003051482.2), dbSNP rs1357182128, ClinGen allele CA504867067.

ClinVar aggregate classification (germline): Likely benign (0 of 4 stars; one submission).

Conditions:
CTDP1-related disorder. Also called: CTDP1-related condition.

Allele frequency attached by ClinVar (database versions not stated): gnomAD 0.00001.
gnomAD v4.1: 8 of 1,555,254 alleles (0.00051%); highest among the groups gnomAD compares: South Asian, 0.0024%; no homozygotes.

Submission:

PreventionGenetics, part of Exact Sciences
Classification: Likely benign for CTDP1-related condition. Last evaluated: 2020-01-13. Review status: no assertion criteria provided. Collection method: clinical testing. Allele origin: germline.
Comment: This variant is classified as likely benign based on ACMG/AMP sequence variant interpretation guidelines (Richards et al. 2015 PMID: 25741868, with internal and published modifications).